The following is an entry in ClinVar:

ClinVar aggregate classification (germline): Uncertain significance (1 of 4 stars; one submission).

Conditions:
Mitochondrial DNA depletion syndrome, encephalomyopathic form with methylmalonic aciduria (MTDPS5). Also called: MITOCHONDRIAL DNA DEPLETION SYNDROME, ENCEPHALOMYOPATHIC FORM, WITH OR WITHOUT METHYLMALONIC ACIDURIA, AUTOSOMAL RECESSIVE, SUCLA2-RELATED; Mitochondrial DNA depletion syndrome 5 (encephalomyopathic with or without methylmalonic aciduria); Mitochondrial encephalomyopathy aminoacidopathy; SUCLA2-Related Mitochondrial DNA Depletion Syndrome, Encephalomyopathic Form with Methylmalonic Aciduria. Identifiers: Orphanet 1933, MedGen C5980207, MONDO:0012791, OMIM 612073.

gnomAD v4.1: 7 of 1,613,864 alleles (0.00043%); highest among the groups gnomAD compares: Non-Finnish European, 0.00059%; no homozygotes.

Submission:

Labcorp Genetics (formerly Invitae), Labcorp
Classification: Uncertain significance for Mitochondrial DNA depletion syndrome, encephalomyopathic form with methylmalonic aciduria. Last evaluated: 2025-10-26. Review status: criteria provided, single submitter. Criteria: Invitae Variant Classification Sherloc (09022015). Collection method: clinical testing. Allele origin: germline.
Comment: This sequence change replaces tyrosine, which is neutral and polar, with phenylalanine, which is neutral and non-polar, at codon 75 of the SUCLA2 protein (p.Tyr75Phe). This variant is present in population databases (rs779012982, gnomAD 0.002%). This variant has not been reported in the literature in individuals affected with SUCLA2-related conditions. Invitae Evidence Modeling of protein sequence and biophysical properties (such as structural, functional, and spatial information, amino acid conservation, physicochemical variation, residue mobility, and thermodynamic stability) indicates that this missense variant is not expected to disrupt SUCLA2 protein function with a negative predictive value of 80%. In summary, the available evidence is currently insufficient to determine the role of this variant in disease. Therefore, it has been classified as a Variant of Uncertain Significance.

NM_003850.3(SUCLA2):c.224A>T (p.Tyr75Phe)

Gene: SUCLA2 (succinate-CoA ligase ADP-forming subunit beta; minus strand). Cytogenetic location: 13q14.2.
Variant type: single nucleotide variant.
Coding change: c.224A>T on transcript NM_003850.3 (MANE Select); coding-DNA position 224, A replaced by T.
Protein change: p.Tyr75Phe; replaces tyrosine 75 with phenylalanine.
Molecular consequence: missense variant.
Genome position (GRCh38, 1-based): chr13:47,996,890, T>A on the plus strand (A>T on the coding strand, the complement: SUCLA2 is on the minus strand). VCF-style: chr13-47996890-T-A. GRCh37 (hg19) VCF-style: chr13-48571025-T-A.
Other names: short protein forms Y75F.
Identifiers: ClinVar variation 4695828 (VCV004695828.1).